The following is an entry in ClinVar:

ClinVar aggregate classification (germline): Benign/Likely benign. Review status: criteria provided, multiple submitters, no conflicts (2 of 4 stars). 2 submissions from 2 submitters: Benign (1); Likely benign (1). Last evaluated 2026-06-01.

Allele frequency attached by ClinVar (database versions not stated): 1000 Genomes Project 0.00060; gnomAD exomes 0.00064 and 0.00114; gnomAD 0.00065 and 0.00070; TOPMed 0.00065; ESP Exome Variant Server 0.00069; 1000 Genomes Project 30x 0.00094; ExAC 0.00116.
gnomAD v4.1: 1,084 of 1,613,692 alleles (0.067%); highest among the groups gnomAD compares: Middle Eastern, 0.35%; 3 homozygotes.

Submissions (6):

CeGaT Center for Human Genetics Tuebingen
Classification: Likely benign. Last evaluated: 2026-06-01. Review status: criteria provided, single submitter. Criteria: CeGaT Center For Human Genetics Tuebingen Variant Classification Criteria Version 2. Collection method: clinical testing. Allele origin: germline. Affected: yes. Observed: 3 variant alleles.
Comment: TNS2: PP3, BS2

Labcorp Genetics (formerly Invitae), Labcorp
Classification: Benign. Last evaluated: 2025-08-23. Review status: criteria provided, single submitter. Criteria: Invitae Variant Classification Sherloc (09022015). Collection method: clinical testing. Allele origin: germline.

Dr. Peter K. Rogan Lab, Western University
No classification provided (evidence only). Condition: Familial cancer of breast. Review status: no classification provided. Collection method: in vitro. Allele origin: not applicable. Functional consequence: retained intron. Not counted in ClinVar's aggregate classification.

Dr. Peter K. Rogan Lab, Western University
No classification provided (evidence only). Condition: Thyroid cancer, nonmedullary, 1. Review status: no classification provided. Collection method: in vitro. Allele origin: not applicable. Functional consequence: retained intron. Not counted in ClinVar's aggregate classification.

Dr. Peter K. Rogan Lab, Western University
No classification provided (evidence only). Condition: Cervical cancer. Review status: no classification provided. Collection method: in vitro. Allele origin: not applicable. Functional consequence: retained intron. Not counted in ClinVar's aggregate classification.

Dr. Peter K. Rogan Lab, Western University
No classification provided (evidence only). Condition: Nonpapillary renal cell carcinoma. Review status: no classification provided. Collection method: in vitro. Allele origin: not applicable. Functional consequence: retained intron. Not counted in ClinVar's aggregate classification.

NM_170754.4(TNS2):c.141A>G (p.Ala47=)

Genes: TNS2 (tensin 2; plus strand), TNS2-AS1 (TNS2 antisense RNA 1; minus strand). Cytogenetic location: 12q13.13.
Variant type: single nucleotide variant.
Coding change: c.141A>G on transcript NM_170754.4 (MANE Select); coding-DNA position 141, A replaced by G.
Protein change: p.Ala47=; no amino-acid change (alanine 47 retained).
Molecular consequence: synonymous variant. On other transcripts: 5 prime UTR variant (1).
Genome position (GRCh38, 1-based): chr12:53,051,920, A>G. VCF-style: chr12-53051920-A-G. GRCh37 (hg19) VCF-style: chr12-53445704-A-G.
Other names: c.141A>G, p.Ala47= (NM_001416202.1, NM_001416204.1); c.72A>G, p.Ala24= (NM_001416203.1, NM_015319.3); c.-232A>G (NM_198316.2).
Identifiers: ClinVar variation 740560 (VCV000740560.33), dbSNP rs113829803, ClinGen allele CA6591789.